The following is an entry in ClinVar:

NM_031460.4(KCNK17):c.265G>A (p.Ala89Thr)

Gene: KCNK17 (potassium two pore domain channel subfamily K member 17; minus strand). Cytogenetic location: 6p21.2.
Variant type: single nucleotide variant.
Coding change: c.265G>A on transcript NM_031460.4 (MANE Select); coding-DNA position 265, G replaced by A.
Protein change: p.Ala89Thr; replaces alanine 89 with threonine.
Molecular consequence: missense variant.
Genome position (GRCh38, 1-based): chr6:39,310,980, C>T on the plus strand (G>A on the coding strand, the complement: KCNK17 is on the minus strand). VCF-style: chr6-39310980-C-T. GRCh37 (hg19) VCF-style: chr6-39278756-C-T.
Other names: c.265G>A, p.Ala89Thr (NM_001135111.2); short protein forms A89T.
Identifiers: ClinVar variation 2656532 (VCV002656532.24), dbSNP rs143146161, ClinGen allele CA3793232.

ClinVar aggregate classification (germline): Likely benign (1 of 4 stars; one submission).

Allele frequency attached by ClinVar (database versions not stated): ESP Exome Variant Server 0.00077; gnomAD 0.00084; TOPMed 0.00089; gnomAD exomes 0.00101; ExAC 0.00113; 1000 Genomes Project 30x 0.00156; 1000 Genomes Project 0.00160.
gnomAD v4.1: 1,586 of 1,606,334 alleles (0.099%); highest among the groups gnomAD compares: Middle Eastern, 0.53%; 6 homozygotes.

Submission:

CeGaT Center for Human Genetics Tuebingen
Classification: Likely benign. Last evaluated: 2022-03-01. Review status: criteria provided, single submitter. Criteria: CeGaT Center For Human Genetics Tuebingen Variant Classification Criteria Version 2. Collection method: clinical testing. Allele origin: germline. Affected: yes. Observed: 1 variant allele.
Comment: KCNK17: BP4